The following is an entry in ClinVar:

NM_015338.6(ASXL1):c.1996G>A (p.Gly666Ser)

Gene: ASXL1 (ASXL transcriptional regulator 1; plus strand). Cytogenetic location: 20q11.21.
Variant type: single nucleotide variant.
Coding change: c.1996G>A on transcript NM_015338.6 (MANE Select); coding-DNA position 1996, G replaced by A.
Protein change: p.Gly666Ser; replaces glycine 666 with serine.
Molecular consequence: missense variant.
Genome position (GRCh38, 1-based): chr20:32,434,708, G>A. VCF-style: chr20-32434708-G-A. GRCh37 (hg19) VCF-style: chr20-31022511-G-A.
Other names: c.1813G>A, p.Gly605Ser (NM_001363734.1); short protein forms G605S, G666S.
Identifiers: ClinVar variation 3673339 (VCV003673339.2).

ClinVar aggregate classification (germline): Uncertain significance (1 of 4 stars; one submission).

gnomAD v4.1: 9 of 1,609,180 alleles (0.00056%); highest among the groups gnomAD compares: Non-Finnish European, 0.00076%; no homozygotes.

Submission:

Labcorp Genetics (formerly Invitae), Labcorp
Classification: Uncertain significance. Last evaluated: 2024-11-26. Review status: criteria provided, single submitter. Criteria: Invitae Variant Classification Sherloc (09022015). Collection method: clinical testing. Allele origin: germline.
Comment: This sequence change replaces glycine, which is neutral and non-polar, with serine, which is neutral and polar, at codon 666 of the ASXL1 protein (p.Gly666Ser). This variant is not present in population databases (gnomAD no frequency). This variant has not been reported in the literature in individuals affected with ASXL1-related conditions. An algorithm developed to predict the effect of missense changes on protein structure and function outputs the following: PolyPhen-2: "Benign". The serine amino acid residue is found in multiple mammalian species, which suggests that this missense change does not adversely affect protein function. In summary, the available evidence is currently insufficient to determine the role of this variant in disease. Therefore, it has been classified as a Variant of Uncertain Significance.